The following is an entry in ClinVar:

ClinVar aggregate classification (germline): Uncertain significance (1 of 4 stars; one submission).

Conditions:
Polyglandular autoimmune syndrome, type 1 (APS1). Also called: Whitaker syndrome; Autoimmune polyendocrinopathy syndrome , type I, with or without reversible metaphyseal dysplasia; AUTOIMMUNE POLYENDOCRINE SYNDROME, TYPE I, WITH OR WITHOUT REVERSIBLE METAPHYSEAL DYSPLASIA; HYPOADRENOCORTICISM WITH HYPOPARATHYROIDISM AND SUPERFICIAL MONILIASIS; Autoimmune polyendocrine syndrome type 1; PGA I. Identifiers: Orphanet 3453, MedGen C0085859, MONDO:0009411, OMIM 240300.

Submission:

Labcorp Genetics (formerly Invitae), Labcorp
Classification: Uncertain significance for Polyglandular autoimmune syndrome, type 1. Last evaluated: 2023-12-27. Review status: criteria provided, single submitter. Criteria: Invitae Variant Classification Sherloc (09022015). Collection method: clinical testing. Allele origin: germline.
Comment: This sequence change falls in intron 10 of the AIRE gene. It does not directly change the encoded amino acid sequence of the AIRE protein. It affects a nucleotide within the consensus splice site. This variant is not present in population databases (gnomAD no frequency). This variant has not been reported in the literature in individuals affected with AIRE-related conditions. ClinVar contains an entry for this variant (Variation ID: 1520986). Variants that disrupt the consensus splice site are a relatively common cause of aberrant splicing (PMID: 17576681, 9536098). Algorithms developed to predict the effect of sequence changes on RNA splicing suggest that this variant is not likely to affect RNA splicing. In summary, the available evidence is currently insufficient to determine the role of this variant in disease. Therefore, it has been classified as a Variant of Uncertain Significance.

Literature cited by the submitters: PubMed 17576681; PubMed 9536098.

NM_000383.4(AIRE):c.1278+5dup

Gene: AIRE (autoimmune regulator; plus strand). Cytogenetic location: 21q22.3.
Variant type: Duplication.
Coding change: c.1278+5dup on transcript NM_000383.4 (MANE Select); 5 bases into the intron after coding-DNA position 1278, one base duplicated (G; older notation c.1278+5dupG).
Molecular consequence: intron variant.
Genome position (GRCh38, 1-based): chr21:44,293,180, G duplicated. VCF-style (leftmost placement, unchanged base first): chr21-44293179-A-AG. GRCh37 (hg19) VCF-style: chr21-45713062-A-AG.
Identifiers: ClinVar variation 1520986 (VCV001520986.6), dbSNP rs2146383693, ClinGen allele CA2573157548.